The following is an entry in ClinVar:

ClinVar aggregate classification (germline): Pathogenic (1 of 4 stars; one submission).

Conditions:
Hypertrophic cardiomyopathy 26. Also called: Cardiomyopathy, familial hypertrophic, 26. Identifiers: Orphanet 75249, MedGen C4310749, MONDO:0014883, OMIM 617047.
Myofibrillar myopathy 5. Also called: Filaminopathy (type); FILAMINOPATHY, AUTOSOMAL DOMINANT. Identifiers: Orphanet 171445, MedGen C1836050, MONDO:0012289, OMIM 609524.
Distal myopathy with posterior leg and anterior hand involvement. Also called: WILLIAMS DISTAL MYOPATHY. Identifiers: Orphanet 63273, MedGen C3279722, MONDO:0013550, OMIM 614065.

Submission:

Labcorp Genetics (formerly Invitae), Labcorp
Classification: Pathogenic for Distal myopathy with posterior leg and anterior hand involvement; Myofibrillar myopathy 5; Hypertrophic cardiomyopathy 26. Last evaluated: 2025-05-29. Review status: criteria provided, single submitter. Criteria: Invitae Variant Classification Sherloc (09022015). Collection method: clinical testing. Allele origin: germline.
Comment: This sequence change creates a premature translational stop signal (p.Ser2477Argfs*65) in the FLNC gene. It is expected to result in an absent or disrupted protein product. Loss-of-function variants in FLNC are known to be pathogenic (PMID: 27908349). This variant is not present in population databases (gnomAD no frequency). This variant has not been reported in the literature in individuals affected with FLNC-related conditions. For these reasons, this variant has been classified as Pathogenic.

Literature cited by the submitters: PubMed 27908349.

NM_001458.5(FLNC):c.7428_7432del (p.Ser2477fs)

Genes: FLNC-AS1 (FLNC antisense RNA 1; minus strand), FLNC (filamin C; plus strand). Cytogenetic location: 7q32.1.
Variant type: Deletion.
Coding change: c.7428_7432del on transcript NM_001458.5 (MANE Select); coding-DNA positions 7428 to 7432, 5 bases deleted (CTCCA; older notation c.7428_7432delCTCCA).
Protein change: p.Ser2477fs; shifts the reading frame from serine 2477.
Molecular consequence: frameshift variant.
Genome position (GRCh38, 1-based): chr7:128,856,788-128,856,792, CTCCA deleted; deleting any 5 consecutive bases within chr7:128,856,784-128,856,792 gives the same sequence; the c. name uses the placement nearest the transcript's 3' end. VCF-style (leftmost placement, unchanged base first): chr7-128856783-GTCCAC-G. GRCh37 (hg19) VCF-style: chr7-128496837-GTCCAC-G.
Other names: c.7329_7333del, p.Ser2444fs (NM_001127487.2); short protein forms S2444fs, S2477fs.
Identifiers: ClinVar variation 4812494 (VCV004812494.1).